The following is an entry in ClinVar:

NM_000719.7(CACNA1C):c.3138C>T (p.Ile1046=)

Gene: CACNA1C (calcium voltage-gated channel subunit alpha1 C; plus strand). Cytogenetic location: 12p13.33.
Variant type: single nucleotide variant.
Coding change: c.3138C>T on transcript NM_000719.7 (MANE Select); coding-DNA position 3138, C replaced by T.
Protein change: p.Ile1046=; no amino-acid change (isoleucine 1046 retained).
Molecular consequence: synonymous variant.
Genome position (GRCh38, 1-based): chr12:2,605,768, C>T. VCF-style: chr12-2605768-C-T. GRCh37 (hg19) VCF-style: chr12-2714934-C-T.
Other names: c.3198C>T, p.Ile1066= (NM_001129827.2, NM_001129832.2, NM_199460.4); c.3138C>T, p.Ile1046= (NM_001129829.2, NM_001129830.3, NM_001129831.2 and 15 more transcripts); c.3129C>T, p.Ile1043= (NM_001129844.2); c.3138C>T (NM_000719.6).
Identifiers: ClinVar variation 1580936 (VCV001580936.10), dbSNP rs373517122, ClinGen allele CA6389154.

ClinVar aggregate classification (germline): Likely benign. Review status: criteria provided, multiple submitters, no conflicts (2 of 4 stars). 3 submissions from 3 submitters: Likely benign (3). Last evaluated 2026-02-05.

Conditions:
Cardiovascular phenotype. Identifiers: MedGen CN230736.
CACNA1C-related disorder. Also called: CACNA1C-related disorders; CACNA1C-related condition. Identifiers: MedGen CN381092, MONDO:0700321.
Long QT syndrome (LQTS). Identifiers: MedGen C0023976, MeSH D008133, MONDO:0002442. Disease mechanism: loss of function. Inheritance: Various modes of inheritance.

Allele frequency attached by ClinVar (database versions not stated): gnomAD exomes 0.00001 and 0.00002; ExAC 0.00002; TOPMed 0.00002; ESP Exome Variant Server 0.00008.
gnomAD v4.1: 7 of 1,612,528 alleles (0.00043%); highest among the groups gnomAD compares: East Asian, 0.0067%; no homozygotes.

Submissions (3):

PreventionGenetics, part of Exact Sciences
Classification: Likely benign for CACNA1C-related condition. Last evaluated: 2026-02-05. Review status: criteria provided, single submitter. Criteria: ACMG Guidelines, 2015. Collection method: clinical testing. Allele origin: germline.
Comment: This variant is classified as likely benign based on ACMG/AMP sequence variant interpretation guidelines (Richards et al. 2015 PMID: 25741868, with internal and published modifications).

Ambry Genetics
Classification: Likely benign for Cardiovascular phenotype. Last evaluated: 2025-05-14. Review status: criteria provided, single submitter. Criteria: Ambry Variant Classification Scheme 2023. Collection method: clinical testing. Allele origin: germline.

Labcorp Genetics (formerly Invitae), Labcorp
Classification: Likely benign for Long QT syndrome. Last evaluated: 2024-10-01. Review status: criteria provided, single submitter. Criteria: Invitae Variant Classification Sherloc (09022015). Collection method: clinical testing. Allele origin: germline.